The following is an entry in ClinVar:

NM_144499.3(GNAT1):c.*516T>G

Gene: GNAT1 (G protein subunit alpha transducin 1; plus strand). Cytogenetic location: 3p21.31.
Variant type: single nucleotide variant.
Coding change: c.*516T>G on transcript NM_144499.3 (MANE Select); 516 bases downstream of the stop codon, T replaced by G.
Molecular consequence: 3 prime UTR variant. On other transcripts: intron variant (1).
Genome position (GRCh38, 1-based): chr3:50,195,782, T>G. VCF-style: chr3-50195782-T-G. GRCh37 (hg19) VCF-style: chr3-50233215-T-G.
Other names: c.2-620T>G (NM_000172.4).
Identifiers: ClinVar variation 346060 (VCV000346060.6), dbSNP rs11919418, ClinGen allele CA10616362.

ClinVar aggregate classification (germline): Benign. Review status: criteria provided, multiple submitters, no conflicts (2 of 4 stars). 2 submissions from 2 submitters: Benign (2). Last evaluated 2018-01-13.

Conditions:
Congenital stationary night blindness autosomal dominant 3. Also called: NIGHT BLINDNESS, CONGENITAL STATIONARY, NOUGARET TYPE. Identifiers: Orphanet 215, MedGen C1864870, MONDO:0012497, OMIM 610444.

Allele frequency attached by ClinVar (database versions not stated): gnomAD exomes 0.27985; 1000 Genomes Project 0.32388; 1000 Genomes Project 30x 0.33620; gnomAD 0.40291 and 0.41929; TOPMed 0.42361.
gnomAD v4.1: 61,399 of 152,982 alleles (40%); highest among the groups gnomAD compares: African/African-American, 67%; 14,874 homozygotes.

Submissions (2):

Illumina Laboratory Services, Illumina
Classification: Benign for Congenital stationary night blindness autosomal dominant 3. Last evaluated: 2018-01-13. Review status: criteria provided, single submitter. Criteria: ICSL Variant Classification Criteria 13 December 2019. Collection method: clinical testing. Allele origin: germline.
Comment: This variant was observed in the ICSL laboratory as part of a predisposition screen in an ostensibly healthy population. It had not been previously curated by ICSL or reported in the Human Gene Mutation Database (HGMD: prior to June 1st, 2018), and was therefore a candidate for classification through an automated scoring system. Utilizing variant allele frequency, disease prevalence and penetrance estimates, and inheritance mode, an automated score was calculated to assess if this variant is too frequent to cause the disease. Based on the score and internal cut-off values, a variant classified as benign is not then subjected to further curation. The score for this variant resulted in a classification of benign for this disease.

Breakthrough Genomics
Classification: Benign. Review status: criteria provided, single submitter. Criteria: ACMG Guidelines, 2015. Collection method: not provided. Allele origin: germline. Inheritance: Autosomal recessive inheritance. Affected: yes.